The following is an entry in ClinVar:

NM_000310.4(PPT1):c.647A>G (p.Lys216Arg)

Gene: PPT1 (palmitoyl-protein thioesterase 1; minus strand). Cytogenetic location: 1p34.2.
Variant type: single nucleotide variant.
Coding change: c.647A>G on transcript NM_000310.4 (MANE Select); coding-DNA position 647, A replaced by G.
Protein change: p.Lys216Arg; replaces lysine 216 with arginine.
Molecular consequence: missense variant.
Genome position (GRCh38, 1-based): chr1:40,078,639, T>C on the plus strand (A>G on the coding strand, the complement: PPT1 is on the minus strand). VCF-style: chr1-40078639-T-C. GRCh37 (hg19) VCF-style: chr1-40544311-T-C.
Other names: c.647A>G (NM_000310.3); c.338A>G, p.Lys113Arg (NM_001142604.2); c.647A>G, p.Lys216Arg (NM_001363695.2); short protein forms K216R, K113R.
Identifiers: ClinVar variation 493034 (VCV000493034.8), dbSNP rs1296750828, ClinGen allele CA339846898.
Genomic context (GRCh38, chr1:40,078,639, plus strand): 5'-ACAATGGAATCATTGAGGAATTTCACCATCACAAACTTCTTCAGGGCCATCAGGTTTTTC[T>C]TGTAGGACTCATTGATACCCTGAAAGAAAGGCCAGCAACACCTAAGGTCATTACCATCAG-3'
Protein context (NP_000301.1, residues 206-226): NQERGINESY[Lys216Arg]KNLMALKKFV

ClinVar aggregate classification (germline): Uncertain significance. Review status: criteria provided, multiple submitters, no conflicts (2 of 4 stars). 5 submissions from 5 submitters: Uncertain significance (4). 1 of the submissions does not count toward it. Last evaluated 2024-06-25.

Conditions:
Neuronal ceroid lipofuscinosis 1 (CLN1). Also called: PPT1-Related Neuronal Ceroid-Lipofuscinosis; CEROID LIPOFUSCINOSIS, NEURONAL, 1, VARIABLE AGE AT ONSET. Identifiers: Orphanet 228329, MedGen C1850451, MONDO:0009744, OMIM 256730.
Inborn genetic diseases. Identifiers: MedGen C0950123, MeSH D030342.

Allele frequency attached by ClinVar (database versions not stated): gnomAD 0.00001; gnomAD exomes 0.00001; TOPMed 0.00002.
gnomAD v4.1: 6 of 1,613,696 alleles (0.00037%); highest among the groups gnomAD compares: Admixed American, 0.0033%; no homozygotes.

Submissions (5):

Ambry Genetics
Classification: Uncertain significance for Inborn genetic diseases. Last evaluated: 2024-06-25. Review status: criteria provided, single submitter. Criteria: Ambry Variant Classification Scheme 2023. Collection method: clinical testing. Allele origin: germline.

Department of Pathology and Laboratory Medicine, Sinai Health System
Classification: Uncertain significance for Neuronal ceroid lipofuscinosis 1. Last evaluated: 2023-04-03. Review status: criteria provided, single submitter. Criteria: ACMG Guidelines, 2015. Collection method: research. Allele origin: germline.

Labcorp Genetics (formerly Invitae), Labcorp
Classification: Uncertain significance for Neuronal ceroid lipofuscinosis 1. Last evaluated: 2021-12-28. Review status: criteria provided, single submitter. Criteria: Invitae Variant Classification Sherloc (09022015). Collection method: clinical testing. Allele origin: germline.
Comment: This sequence change replaces lysine, which is basic and polar, with arginine, which is basic and polar, at codon 216 of the PPT1 protein (p.Lys216Arg). This variant is present in population databases (no rsID available, gnomAD 0.003%). This variant has not been reported in the literature in individuals affected with PPT1-related conditions. ClinVar contains an entry for this variant (Variation ID: 493034). Advanced modeling of protein sequence and biophysical properties (such as structural, functional, and spatial information, amino acid conservation, physicochemical variation, residue mobility, and thermodynamic stability) performed at Invitae indicates that this missense variant is not expected to disrupt PPT1 protein function. In summary, the available evidence is currently insufficient to determine the role of this variant in disease. Therefore, it has been classified as a Variant of Uncertain Significance.

CeGaT Center for Human Genetics Tuebingen
Classification: Uncertain significance. Last evaluated: 2017-10-31. Review status: criteria provided, single submitter. Criteria: Praxis fuer Humangenetik Tuebingen - Variant Classification Criteria. Collection method: clinical testing. Allele origin: germline. Affected: yes. Observed: 1 variant allele.

Natera, Inc.
Classification: Uncertain significance for Neuronal ceroid lipofuscinosis 1. Last evaluated: 2020-10-19. Review status: no assertion criteria provided. Collection method: clinical testing. Allele origin: germline. Not counted in ClinVar's aggregate classification.